The following is an entry in ClinVar:

ClinVar aggregate classification (germline): Conflicting classifications of pathogenicity. Review status: criteria provided, conflicting classifications (1 of 4 stars). 7 submissions from 7 submitters: Uncertain significance (3); Benign (1); Likely benign (2). 1 of the submissions does not count toward it. Last evaluated 2025-12-29.

Conditions:
STK11-related disorder. Also called: STK11-related condition.
Hereditary cancer-predisposing syndrome. Also called: Neoplastic Syndromes, Hereditary; Hereditary neoplastic syndrome; Tumor predisposition; Hereditary Cancer Syndrome. Identifiers: Orphanet 140162, MedGen C0027672, MeSH D009386, MONDO:0015356.
Peutz-Jeghers syndrome (PJS). Also called: POLYPOSIS, HAMARTOMATOUS INTESTINAL; POLYPS-AND-SPOTS SYNDROME; Peutz-Jeghers polyposis; Periorificial lentiginosis syndrome. Identifiers: Orphanet 2869, MedGen C0031269, MeSH D010580, MONDO:0008280, OMIM 175200.

Allele frequency attached by ClinVar (database versions not stated): TOPMed 0.00001; 1000 Genomes Project 30x 0.00016.
gnomAD v4.1: 9 of 1,511,712 alleles (0.0006%); highest among the groups gnomAD compares: Admixed American, 0.0022%; no homozygotes.

Submissions (7):

Center for Genomic Medicine, Rigshospitalet, Copenhagen University Hospital
Classification: Likely benign. Last evaluated: 2025-12-29. Review status: criteria provided, single submitter. Criteria: ACMG Guidelines, 2015. Collection method: clinical testing. Allele origin: germline.

Myriad Genetics, Inc.
Classification: Benign for Peutz-Jeghers syndrome. Last evaluated: 2025-03-31. Review status: criteria provided, single submitter. Criteria: Myriad Autosomal Dominant, Autosomal Recessive and X-Linked Classification Criteria (2023). Collection method: clinical testing. Allele origin: unknown.
Comment: This variant is considered benign. This variant occurs in the non-coding 3' untranslated region of the gene, and is not expected to impact protein function.

Quest Diagnostics Nichols Institute San Juan Capistrano
Classification: Uncertain significance. Last evaluated: 2025-02-18. Review status: criteria provided, single submitter. Criteria: Quest Diagnostics criteria. Collection method: clinical testing. Allele origin: unknown.
Comment: The STK11 c.*9G>A variant has not been reported in individuals with STK11-related conditions in the published literature. The frequency of this variant in the general population (Genome Aggregation Database) is uninformative in the assessment of its pathogenicity. Based on the available information, we are unable to determine the clinical significance of this variant.

Molecular Pathology, Peter Maccallum Cancer Centre
Classification: Uncertain significance for Peutz-Jeghers syndrome. Last evaluated: 2024-11-06. Review status: criteria provided, single submitter. Criteria: ACMG Guidelines, 2015. Collection method: clinical testing. Allele origin: germline. Inheritance: Autosomal dominant inheritance.

GeneDx
Classification: Likely benign. Last evaluated: 2023-10-18. Review status: criteria provided, single submitter. Criteria: GeneDx Variant Classification Process June 2021. Collection method: clinical testing. Allele origin: germline. Affected: yes.
Comment: See Variant Classification Assertion Criteria.

Ambry Genetics
Classification: Uncertain significance for Hereditary cancer-predisposing syndrome. Last evaluated: 2014-12-01. Review status: criteria provided, single submitter. Criteria: Ambry Variant Classification Scheme 2023. Collection method: clinical testing. Allele origin: germline.
Comment: The c.*9G>A alteration is located in the 3' untranslated region (3'UTR) of the STK11 gene. This alteration consists of a deletion of 1 nucleotides after the last coding exon of the STK11 gene. Based on insufficient or conflicting evidence, the clinical significance of this alteration remains unclear.

PreventionGenetics, part of Exact Sciences
Classification: Likely benign for STK11-related condition. Last evaluated: 2020-11-06. Review status: no assertion criteria provided. Collection method: clinical testing. Allele origin: germline. Not counted in ClinVar's aggregate classification.
Comment: This variant is classified as likely benign based on ACMG/AMP sequence variant interpretation guidelines (Richards et al. 2015 PMID: 25741868, with internal and published modifications).

NM_000455.5(STK11):c.*9G>A

Gene: STK11 (serine/threonine kinase 11; plus strand). Cytogenetic location: 19p13.3.
Variant type: single nucleotide variant.
Coding change: c.*9G>A on transcript NM_000455.5 (MANE Select); 9 bases downstream of the stop codon, G replaced by A.
Molecular consequence: 3 prime UTR variant.
Genome position (GRCh38, 1-based): chr19:1,226,656, G>A. VCF-style: chr19-1226656-G-A. GRCh37 (hg19) VCF-style: chr19-1226655-G-A.
Identifiers: ClinVar variation 387684 (VCV000387684.8), dbSNP rs1057522868, ClinGen allele CA16608853.